The following is an entry in ClinVar:

ClinVar aggregate classification (germline): Pathogenic. Review status: criteria provided, multiple submitters, no conflicts (2 of 4 stars). 3 submissions from 3 submitters: Pathogenic (2). 1 of the submissions does not count toward it. Last evaluated 2024-02-06.

Conditions:
Hereditary cancer-predisposing syndrome. Also called: Neoplastic Syndromes, Hereditary; Tumor predisposition; Hereditary Cancer Syndrome; Hereditary neoplastic syndrome. Identifiers: Orphanet 140162, MedGen C0027672, MeSH D009386, MONDO:0015356.
Tuberous sclerosis syndrome (TSC). Also called: Tuberous Sclerosis Complex; Tuberous sclerosis. Identifiers: Orphanet 805, MedGen C0041341, MONDO:0001734.

Submissions (3):

GeneDx
Classification: Pathogenic. Last evaluated: 2024-02-06. Review status: criteria provided, single submitter. Criteria: GeneDx Variant Classification Process June 2021. Collection method: clinical testing. Allele origin: germline. Affected: yes.
Comment: Frameshift variant predicted to result in protein truncation or nonsense mediated decay in a gene for which loss of function is a known mechanism of disease; Not observed at significant frequency in large population cohorts (gnomAD); This variant is associated with the following publications: (PMID: 17304050, 31377847)

Ambry Genetics
Classification: Pathogenic for Hereditary cancer-predisposing syndrome. Last evaluated: 2016-04-05. Review status: criteria provided, single submitter. Criteria: Ambry Variant Classification Scheme 2023. Collection method: clinical testing. Allele origin: germline.
Comment: The c.4537delG pathogenic mutation, located in coding exon 34 of the TSC2 gene, results from a deletion of one nucleotide at nucleotide position 4537, causing a translational frameshift with a predicted alternate stop codon. This pathogenic mutation has been previously reported in an individual with a clinical diagnosis of tuberous sclerosis complex (Au KS et al. Genet. Med. 2007 Feb; 9(2):88-100). In addition to the clinical data presented in the literature, since frameshifts are typically deleterious in nature, this alteration is interpreted as a disease-causing mutation (ACMG Recommendations for Standards for Interpretation and Reporting of Sequence Variations. Revision 2007. Genet Med. 2008;10:294).

Tuberous sclerosis database (TSC2)
No classification provided. Condition: TSC. Review status: no classification provided. Criteria: Tuberous Sclerosis Database Assertion Criteria 2015. Collection method: curation. Allele origin: germline. Affected: yes. Not counted in ClinVar's aggregate classification.

Literature cited by the submitters: PubMed 17304050 (cited by Ambry Genetics).

NM_000548.5(TSC2):c.4537del (p.Glu1513fs)

Gene: TSC2 (TSC complex subunit 2; plus strand). Cytogenetic location: 16p13.3.
Variant type: Deletion.
Coding change: c.4537del on transcript NM_000548.5 (MANE Select); coding-DNA position 4537, one base deleted (G; older notation c.4537delG).
Protein change: p.Glu1513fs; shifts the reading frame from glutamic acid 1513.
Molecular consequence: frameshift variant.
Genome position (GRCh38, 1-based): chr16:2,084,994, G deleted. VCF-style (leftmost placement, unchanged base first): chr16-2084993-CG-C. GRCh37 (hg19) VCF-style: chr16-2134994-CG-C.
Other names: c.4336del, p.Glu1446fs (NM_001077183.3); c.4468del, p.Glu1490fs (NM_001114382.3); c.4228del, p.Glu1410fs (NM_001318827.2); c.4192del, p.Glu1398fs (NM_001318829.2); c.3805del, p.Glu1269fs (NM_001318831.2); c.4369del, p.Glu1457fs (NM_001318832.2); c.4339del, p.Glu1447fs (NM_001363528.2); c.4405del, p.Glu1469fs (NM_001370404.1); and 1 more; short protein forms E1447fs, E1457fs, E1269fs, E1446fs, E1490fs, E1398fs, E1470fs, E1410fs.
Identifiers: ClinVar variation 49505 (VCV000049505.7), dbSNP rs137854028, ClinGen allele CA020622.